The following is an entry in ClinVar:

NM_002334.4(LRP4):c.1288C>T (p.Arg430Trp)

Gene: LRP4 (LDL receptor related protein 4; minus strand). Cytogenetic location: 11p11.2.
Variant type: single nucleotide variant.
Coding change: c.1288C>T on transcript NM_002334.4 (MANE Select); coding-DNA position 1288, C replaced by T.
Protein change: p.Arg430Trp; replaces arginine 430 with tryptophan.
Molecular consequence: missense variant.
Genome position (GRCh38, 1-based): chr11:46,895,187, G>A on the plus strand (C>T on the coding strand, the complement: LRP4 is on the minus strand). VCF-style: chr11-46895187-G-A. GRCh37 (hg19) VCF-style: chr11-46916738-G-A.
Other names: c.1288C>T (NM_002334.3); short protein forms R430W.
Identifiers: ClinVar variation 1416081 (VCV001416081.8), dbSNP rs140528156, ClinGen allele CA5970204.

ClinVar aggregate classification (germline): Uncertain significance. Review status: criteria provided, multiple submitters, no conflicts (2 of 4 stars). 3 submissions from 3 submitters: Uncertain significance (3). Last evaluated 2024-01-03.

Conditions:
Congenital myasthenic syndrome 17. Identifiers: Orphanet 590, MedGen C4225377, MONDO:0014578, OMIM 616304.
Cenani-Lenz syndactyly syndrome. Also called: CENANI SYNDACTYLISM; SYNDACTYLY, TYPE VII. Identifiers: Orphanet 3258, MedGen C1859309, MONDO:0008931, OMIM 212780.
Sclerosteosis 2 (SOST2). Identifiers: Orphanet 3152, MedGen C3280402, MONDO:0013679, OMIM 614305.
Inborn genetic diseases. Identifiers: MedGen C0950123, MeSH D030342.

Allele frequency attached by ClinVar (database versions not stated): gnomAD 0.00006 and 0.00007; TOPMed 0.00015.
gnomAD v4.1: 39 of 1,613,884 alleles (0.0024%); highest among the groups gnomAD compares: Admixed American, 0.015%; no homozygotes.

Submissions (3):

Ambry Genetics
Classification: Uncertain significance for Inborn genetic diseases. Last evaluated: 2024-01-03. Review status: criteria provided, single submitter. Criteria: Ambry Variant Classification Scheme 2023. Collection method: clinical testing. Allele origin: germline.

Labcorp Genetics (formerly Invitae), Labcorp
Classification: Uncertain significance for Cenani-Lenz syndactyly syndrome; Sclerosteosis 2; Congenital myasthenic syndrome 17. Last evaluated: 2023-09-22. Review status: criteria provided, single submitter. Criteria: Invitae Variant Classification Sherloc (09022015). Collection method: clinical testing. Allele origin: germline.
Comment: An algorithm developed to predict the effect of missense changes on protein structure and function (PolyPhen-2) suggests that this variant is likely to be disruptive. In summary, the available evidence is currently insufficient to determine the role of this variant in disease. Therefore, it has been classified as a Variant of Uncertain Significance. ClinVar contains an entry for this variant (Variation ID: 1416081). This variant has not been reported in the literature in individuals affected with LRP4-related conditions. This variant is present in population databases (rs140528156, gnomAD 0.01%). This sequence change replaces arginine, which is basic and polar, with tryptophan, which is neutral and slightly polar, at codon 430 of the LRP4 protein (p.Arg430Trp).

Fulgent Genetics
Classification: Uncertain significance for Cenani-Lenz syndactyly syndrome; Sclerosteosis 2; Congenital myasthenic syndrome 17. Last evaluated: 2021-10-22. Review status: criteria provided, single submitter. Criteria: ACMG Guidelines, 2015. Collection method: clinical testing. Allele origin: unknown.